The following is an entry in ClinVar:

NM_024675.4(PALB2):c.1506G>C (p.Lys502Asn)

Gene: PALB2 (partner and localizer of BRCA2; minus strand). Cytogenetic location: 16p12.2.
Variant type: single nucleotide variant.
Coding change: c.1506G>C on transcript NM_024675.4 (MANE Select); coding-DNA position 1506, G replaced by C.
Protein change: p.Lys502Asn; replaces lysine 502 with asparagine.
Molecular consequence: missense variant.
Genome position (GRCh38, 1-based): chr16:23,635,040, C>G on the plus strand (G>C on the coding strand, the complement: PALB2 is on the minus strand). VCF-style: chr16-23635040-C-G. GRCh37 (hg19) VCF-style: chr16-23646361-C-G.
Other names: short protein forms K502N.
Identifiers: ClinVar variation 482009 (VCV000482009.21), dbSNP rs371142570, ClinGen allele CA7963701.

ClinVar aggregate classification (germline): Conflicting classifications of pathogenicity. Review status: criteria provided, conflicting classifications (1 of 4 stars). 6 submissions from 6 submitters: Uncertain significance (4); Likely benign (2). Last evaluated 2026-10-01.

Conditions:
Hereditary cancer-predisposing syndrome. Also called: Hereditary neoplastic syndrome; Tumor predisposition; Neoplastic Syndromes, Hereditary; Hereditary Cancer Syndrome. Identifiers: Orphanet 140162, MedGen C0027672, MeSH D009386, MONDO:0015356.
Familial cancer of breast. Also called: hereditary breast carcinoma; BREAST CANCER, FAMILIAL; Hereditary breast cancer. Identifiers: Orphanet 227535, MedGen C0346153, MONDO:0016419, OMIM 114480. Disease mechanism: loss of function.

Allele frequency attached by ClinVar (database versions not stated): gnomAD exomes below 0.00001; TOPMed below 0.00001; ExAC 0.00001; ESP Exome Variant Server 0.00015.
gnomAD v4.1: 1 of 1,614,136 alleles (0.000062%); highest among the groups gnomAD compares: Non-Finnish European, 0.000085%; no homozygotes.

Submissions (6):

St. Jude Molecular Pathology, St. Jude Children's Research Hospital
Classification: Uncertain significance for Familial cancer of breast. Last evaluated: 2026-10-01. Review status: criteria provided, single submitter. Criteria: St. Jude Assertion Criteria 2020. Collection method: clinical testing. Allele origin: germline.
Comment: The PALB2 c.1506G>C p.(Lys502Asn) missense change has a maximum subpopulation frequency of 0.0009% in gnomAD v2.1.1. The in silico tool REVEL predicts a benign effect on protein function, but to our knowledge this pre diction has not been confirmed by functional studies. To our knowledge, this variant has not been reported as pathogenic in individuals with PALB2-associated conditions. In summary, the evidence currently available is insufficient to determine the clinic al significance of this variant. It has therefore been classified as of uncertain significance (VUS-Low).

Labcorp Genetics (formerly Invitae), Labcorp
Classification: Uncertain significance for Familial cancer of breast. Last evaluated: 2025-10-21. Review status: criteria provided, single submitter. Criteria: Invitae Variant Classification Sherloc (09022015). Collection method: clinical testing. Allele origin: germline.
Comment: This sequence change replaces lysine, which is basic and polar, with asparagine, which is neutral and polar, at codon 502 of the PALB2 protein (p.Lys502Asn). This variant is present in population databases (rs371142570, gnomAD 0.0009%). This variant has not been reported in the literature in individuals affected with PALB2-related conditions. ClinVar contains an entry for this variant (Variation ID: 482009). Invitae Evidence Modeling of protein sequence and biophysical properties (such as structural, functional, and spatial information, amino acid conservation, physicochemical variation, residue mobility, and thermodynamic stability) indicates that this missense variant is not expected to disrupt PALB2 protein function with a negative predictive value of 80%. In summary, the available evidence is currently insufficient to determine the role of this variant in disease. Therefore, it has been classified as a Variant of Uncertain Significance.

GeneDx
Classification: Uncertain significance. Last evaluated: 2025-02-13. Review status: criteria provided, single submitter. Criteria: GeneDx Variant Classification Process June 2021. Collection method: clinical testing. Allele origin: germline. Affected: yes.
Comment: Not observed at significant frequency in large population cohorts (gnomAD); In silico analysis indicates that this missense variant does not alter protein structure/function; Has not been previously published as pathogenic or benign to our knowledge; This variant is associated with the following publications: (PMID: 35585550)

Ambry Genetics
Classification: Likely benign for Hereditary cancer-predisposing syndrome. Last evaluated: 2024-02-23. Review status: criteria provided, single submitter. Criteria: Ambry Variant Classification Scheme 2023. Collection method: clinical testing. Allele origin: germline.

Baylor Genetics
Classification: Uncertain significance for Familial cancer of breast. Last evaluated: 2023-10-06. Review status: criteria provided, single submitter. Criteria: ACMG Guidelines, 2015. Collection method: clinical testing. Allele origin: unknown.

Color Diagnostics, LLC DBA Color Health
Classification: Likely benign for Hereditary cancer-predisposing syndrome. Last evaluated: 2017-05-19. Review status: criteria provided, single submitter. Criteria: ACMG Guidelines, 2015. Collection method: clinical testing. Allele origin: germline.